The following is an entry in ClinVar:

NM_001844.5(COL2A1):c.151C>T (p.Pro51Ser)

Gene: COL2A1 (collagen type II alpha 1 chain; minus strand). Cytogenetic location: 12q13.11.
Variant type: single nucleotide variant.
Coding change: c.151C>T on transcript NM_001844.5 (MANE Select); coding-DNA position 151, C replaced by T.
Protein change: p.Pro51Ser; replaces proline 51 with serine.
Molecular consequence: missense variant. On other transcripts: intron variant (1).
Genome position (GRCh38, 1-based): chr12:48,000,060, G>A on the plus strand (C>T on the coding strand, the complement: COL2A1 is on the minus strand). VCF-style: chr12-48000060-G-A. GRCh37 (hg19) VCF-style: chr12-48393843-G-A.
Other names: c.86-1629C>T (NM_033150.3); short protein forms P51S.
Identifiers: ClinVar variation 959020 (VCV000959020.12), dbSNP rs945234297, ClinGen allele CA236494993.

ClinVar aggregate classification (germline): Conflicting classifications of pathogenicity. Review status: criteria provided, conflicting classifications (1 of 4 stars). 3 submissions from 3 submitters: Uncertain significance (2); Likely benign (1). Last evaluated 2026-03-29.

Conditions:
COL2A1-related disorder. Also called: COL2A1-related condition; COL2A1-related disorders.

Allele frequency attached by ClinVar (database versions not stated): gnomAD exomes below 0.00001 and 0.00002; gnomAD 0.00001; TOPMed 0.00002.
gnomAD v4.1: 7 of 1,613,772 alleles (0.00043%); highest among the groups gnomAD compares: Admixed American, 0.012%; no homozygotes.

Submissions (3):

PreventionGenetics, part of Exact Sciences
Classification: Uncertain significance for COL2A1-related condition. Last evaluated: 2026-03-29. Review status: criteria provided, single submitter. Criteria: ACMG Guidelines, 2015. Collection method: clinical testing. Allele origin: germline.
Comment: The COL2A1 c.151C>T variant is predicted to result in the amino acid substitution p.Pro51Ser. To our knowledge, this variant has not been reported in the literature. This variant is reported in 0.017% of alleles in individuals of Latino descent in gnomAD, which may be too frequent to be a primary cause of disease. Although we suspect that this variant may be benign, at this time, the clinical significance of this variant is uncertain due to the absence of conclusive functional and genetic evidence.

Labcorp Genetics (formerly Invitae), Labcorp
Classification: Likely benign. Last evaluated: 2026-01-12. Review status: criteria provided, single submitter. Criteria: Invitae Variant Classification Sherloc (09022015). Collection method: clinical testing. Allele origin: germline.

GeneDx
Classification: Uncertain significance. Last evaluated: 2019-11-05. Review status: criteria provided, single submitter. Criteria: GeneDx Variant Classification Process June 2021. Collection method: clinical testing. Allele origin: germline. Affected: yes.
Comment: Has not been previously published as pathogenic or benign to our knowledge; In silico analysis, which includes protein predictors and evolutionary conservation, supports a deleterious effect